The following is an entry in ClinVar:

NM_058216.3(RAD51C):c.412_424delinsATC (p.Leu138fs)

Gene: RAD51C (RAD51 paralog C; plus strand). Cytogenetic location: 17q22.
Variant type: Indel.
Coding change: c.412_424delinsATC on transcript NM_058216.3 (MANE Select); coding-DNA positions 412 to 424, TTGGCAGTAGATG replaced by ATC.
Protein change: p.Leu138fs; shifts the reading frame from leucine 138.
Molecular consequence: frameshift variant.
Genome position (GRCh38, 1-based): chr17:58,696,700-58,696,712, TTGGCAGTAGATG replaced by ATC. VCF-style: chr17-58696700-TTGGCAGTAGATG-ATC. GRCh37 (hg19) VCF-style: chr17-56774061-TTGGCAGTAGATG-ATC.
Other names: short protein forms L138fs.
Identifiers: ClinVar variation 3148302 (VCV003148302.1), dbSNP rs2509281199, ClinGen allele CA2825002563.

ClinVar aggregate classification (germline): Pathogenic (1 of 4 stars; one submission).

Conditions:
Breast-ovarian cancer, familial, susceptibility to, 3. Also called: RAD51C-Related Breast/Ovarian Cancer. Identifiers: Orphanet 145, MedGen C3150659, MONDO:0013253, OMIM 613399.

Submission:

Myriad Genetics, Inc.
Classification: Pathogenic for Breast-ovarian cancer, familial, susceptibility to, 3. Last evaluated: 2024-01-02. Review status: criteria provided, single submitter. Criteria: Myriad Autosomal Dominant, Autosomal Recessive and X-Linked Classification Criteria (2023). Collection method: clinical testing. Allele origin: unknown.
Comment: This variant is considered pathogenic. This variant creates a frameshift predicted to result in premature protein truncation.